The following is an entry in ClinVar:

ClinVar aggregate classification (germline): Likely benign (1 of 4 stars; one submission).

Allele frequency attached by ClinVar (database versions not stated): 1000 Genomes Project 0.00280; 1000 Genomes Project 30x 0.00312; gnomAD 0.00415 and 0.00455; TOPMed 0.00458.
gnomAD v4.1: 624 of 152,252 alleles (0.41%); highest among the groups gnomAD compares: African/African-American, 1.5%; 5 homozygotes.

Submission:

GeneDx
Classification: Likely benign. Last evaluated: 2018-06-18. Review status: criteria provided, single submitter. Criteria: GeneDx Variant Classification (06012015). Collection method: clinical testing. Allele origin: germline. Affected: yes.
Comment: This variant is considered likely benign or benign based on one or more of the following criteria: it is a conservative change, it occurs at a poorly conserved position in the protein, it is predicted to be benign by multiple in silico algorithms, and/or has population frequency not consistent with disease.

NM_006393.3(NEBL):c.481-157A>C

Gene: NEBL (nebulette; minus strand). Cytogenetic location: 10p12.31.
Variant type: single nucleotide variant.
Coding change: c.481-157A>C on transcript NM_006393.3 (MANE Select); 157 bases into the intron before coding-DNA position 481, A replaced by C.
Molecular consequence: intron variant.
Genome position (GRCh38, 1-based): chr10:20,869,998, T>G on the plus strand (A>C on the coding strand, the complement: NEBL is on the minus strand). VCF-style: chr10-20869998-T-G. GRCh37 (hg19) VCF-style: chr10-21158927-T-G.
Other names: c.250-57058A>C (NM_001377326.1, NM_001377327.1, NM_001377328.1); c.358-57058A>C (NM_213569.2, NM_001173484.2, NM_001377322.1); c.301-57058A>C (NM_001377324.1); c.292-57058A>C (NM_001377325.1); c.310-57058A>C (NM_001377323.1).
Identifiers: ClinVar variation 675980 (VCV000675980.1), dbSNP rs151106272, ClinGen allele CA204205287.